The following is an entry in ClinVar:

NM_138326.3(ACMSD):c.715G>A (p.Gly239Arg)

Genes: ACMSD (aminocarboxymuconate semialdehyde decarboxylase; plus strand), CCNT2-AS1 (CCNT2 antisense RNA 1; minus strand). Cytogenetic location: 2q21.3.
Variant type: single nucleotide variant.
Coding change: c.715G>A on transcript NM_138326.3 (MANE Select); coding-DNA position 715, G replaced by A.
Protein change: p.Gly239Arg; replaces glycine 239 with arginine.
Molecular consequence: missense variant.
Genome position (GRCh38, 1-based): chr2:134,872,507, G>A. VCF-style: chr2-134872507-G-A. GRCh37 (hg19) VCF-style: chr2-135630077-G-A.
Other names: c.541G>A, p.Gly181Arg (NM_001307983.2); short protein forms G181R, G239R.
Identifiers: ClinVar variation 2651379 (VCV002651379.24), dbSNP rs2467377112, ClinGen allele CA348557671.

ClinVar aggregate classification (germline): Uncertain significance (1 of 4 stars; one submission).

Submission:

CeGaT Center for Human Genetics Tuebingen
Classification: Uncertain significance. Last evaluated: 2022-11-01. Review status: criteria provided, single submitter. Criteria: CeGaT Center For Human Genetics Tuebingen Variant Classification Criteria Version 2. Collection method: clinical testing. Allele origin: germline. Affected: yes. Observed: 1 variant allele.
Comment: ACMSD: PM2